The following is an entry in ClinVar:

NM_001710.6(CFB):c.693C>T (p.Ala231=)

Gene: CFB (complement factor B; plus strand). Cytogenetic location: 6p21.33.
Variant type: single nucleotide variant.
Coding change: c.693C>T on transcript NM_001710.6 (MANE Select); coding-DNA position 693, C replaced by T.
Protein change: p.Ala231=; no amino-acid change (alanine 231 retained).
Molecular consequence: synonymous variant.
Genome position (GRCh38, 1-based): chr6:31,947,776, C>T. VCF-style: chr6-31947776-C-T. GRCh37 (hg19) VCF-style: chr6-31915553-C-T.
Identifiers: ClinVar variation 2178579 (VCV002178579.4), dbSNP rs1030812471, ClinGen allele CA136894495.

ClinVar aggregate classification (germline): Uncertain significance (1 of 4 stars; one submission).

Allele frequency attached by ClinVar (database versions not stated): gnomAD 0.00001; gnomAD exomes 0.00001; TOPMed 0.00003.

Submission:

Labcorp Genetics (formerly Invitae), Labcorp
Classification: Uncertain significance. Last evaluated: 2025-11-20. Review status: criteria provided, single submitter. Criteria: Invitae Variant Classification Sherloc (09022015). Collection method: clinical testing. Allele origin: germline.
Comment: This sequence change affects codon 231 of the CFB mRNA. It is a 'silent' change, meaning that it does not change the encoded amino acid sequence of the CFB protein. This variant is present in population databases (no rsID available, gnomAD 0.004%). This variant has not been reported in the literature in individuals affected with CFB-related conditions. ClinVar contains an entry for this variant (Variation ID: 2178579). Algorithms developed to predict the effect of sequence changes on RNA splicing suggest that this variant may create or strengthen a splice site. In summary, the available evidence is currently insufficient to determine the role of this variant in disease. Therefore, it has been classified as a Variant of Uncertain Significance.